The following is an entry in ClinVar:

ClinVar aggregate classification (germline): Uncertain significance (1 of 4 stars; one submission).

Conditions:
Immunodeficiency-centromeric instability-facial anomalies syndrome 1 (ICF1). Identifiers: Orphanet 2268, MedGen C4551557, MONDO:0009454, OMIM 242860.

Submission:

Laboratorio de Genetica e Diagnostico Molecular, Hospital Israelita Albert Einstein
Classification: Uncertain significance for Immunodeficiency-centromeric instability-facial anomalies syndrome 1. Last evaluated: 2022-03-02. Review status: criteria provided, single submitter. Criteria: ACMG Guidelines, 2015. Collection method: clinical testing. Allele origin: germline. Affected: yes. Observed: 1 variant allele.
Comment: ACMG classification criteria: PM2, PM3, PM4

NM_006892.4(DNMT3B):c.2262_2267del (p.Glu755_Leu756del)

Gene: DNMT3B (DNA methyltransferase 3 beta; plus strand). Cytogenetic location: 20q11.21.
Variant type: Deletion.
Coding change: c.2262_2267del on transcript NM_006892.4 (MANE Select); coding-DNA positions 2262 to 2267, 6 bases deleted (CGAGCT; older notation c.2262_2267delCGAGCT).
Protein change: p.Glu755_Leu756del.
Molecular consequence: inframe deletion. On other transcripts: intron variant (3).
Genome position (GRCh38, 1-based): chr20:32,805,368-32,805,373, CGAGCT deleted; deleting any 6 consecutive bases within chr20:32,805,366-32,805,373 gives the same sequence; the c. name uses the placement nearest the transcript's 3' end. VCF-style (leftmost placement, unchanged base first): chr20-32805365-ACTCGAG-A. GRCh37 (hg19) VCF-style: chr20-31393171-ACTCGAG-A.
Other names: c.2202_2207del, p.Glu735_Leu736del (NM_175848.2); c.2238_2243del, p.Glu747_Leu748del (NM_175850.3); c.2172-2394_2172-2389del (NM_175849.2); c.2046-2394_2046-2389del (NM_001207055.2); c.1944-2394_1944-2389del (NM_001207056.2).
Identifiers: ClinVar variation 2431542 (VCV002431542.1), dbSNP rs2515673905, ClinGen allele CA2580098120.